The following is an entry in ClinVar:

ClinVar aggregate classification (germline): Likely pathogenic (1 of 4 stars; one submission).

Submission:

GeneDx
Classification: Likely pathogenic. Last evaluated: 2024-11-26. Review status: criteria provided, single submitter. Criteria: GeneDx Variant Classification Process June 2021. Collection method: clinical testing. Allele origin: germline. Affected: yes.
Comment: Identified in a patient with features consistent with Rubinstein-Taybi syndrome in the published literature, however, segregation information was not provided (PMID: 39307565); In silico analysis supports that this missense variant has a deleterious effect on protein structure/function; Not observed at significant frequency in large population cohorts (gnomAD); This variant is associated with the following publications: (PMID: 12070251, 39307565)

NM_004380.3(CREBBP):c.4337G>C (p.Arg1446Pro)

Gene: CREBBP (CREB binding lysine acetyltransferase; minus strand). Cytogenetic location: 16p13.3.
Variant type: single nucleotide variant.
Coding change: c.4337G>C on transcript NM_004380.3 (MANE Select); coding-DNA position 4337, G replaced by C.
Protein change: p.Arg1446Pro; replaces arginine 1446 with proline.
Molecular consequence: missense variant.
Genome position (GRCh38, 1-based): chr16:3,738,616, C>G on the plus strand (G>C on the coding strand, the complement: CREBBP is on the minus strand). VCF-style: chr16-3738616-C-G. GRCh37 (hg19) VCF-style: chr16-3788617-C-G.
Other names: c.4223G>C, p.Arg1408Pro (NM_001079846.1); short protein forms R1408P, R1446P.
Identifiers: ClinVar variation 4278636 (VCV004278636.1).